The following is an entry in ClinVar:

ClinVar aggregate classification (germline): Benign/Likely benign. Review status: criteria provided, multiple submitters, no conflicts (2 of 4 stars). 3 submissions from 3 submitters: Benign (1); Likely benign (2). Last evaluated 2026-01-12.

Conditions:
KIF11-related disorder. Also called: KIF11-related condition.

Allele frequency attached by ClinVar (database versions not stated): ExAC 0.00003; gnomAD 0.00004; TOPMed 0.00005.
gnomAD v4.1: 46 of 1,613,790 alleles (0.0029%); highest among the groups gnomAD compares: Middle Eastern, 0.033%; no homozygotes.

Submissions (3):

Labcorp Genetics (formerly Invitae), Labcorp
Classification: Benign. Last evaluated: 2026-01-12. Review status: criteria provided, single submitter. Criteria: Invitae Variant Classification Sherloc (09022015). Collection method: clinical testing. Allele origin: germline.

PreventionGenetics, part of Exact Sciences
Classification: Likely benign for KIF11-related condition. Last evaluated: 2025-10-13. Review status: criteria provided, single submitter. Criteria: ACMG Guidelines, 2015. Collection method: clinical testing. Allele origin: germline.
Comment: This variant is classified as likely benign based on ACMG/AMP sequence variant interpretation guidelines (Richards et al. 2015 PMID: 25741868, with internal and published modifications).

Blueprint Genetics
Classification: Likely benign. Last evaluated: 2023-11-08. Review status: criteria provided, single submitter. Criteria: ACMG Guidelines, 2015. Collection method: clinical testing. Allele origin: germline.

NM_004523.4(KIF11):c.2970T>C (p.Pro990=)

Gene: KIF11 (kinesin family member 11; plus strand). Cytogenetic location: 10q23.33.
Variant type: single nucleotide variant.
Coding change: c.2970T>C on transcript NM_004523.4 (MANE Select); coding-DNA position 2970, T replaced by C.
Protein change: p.Pro990=; no amino-acid change (proline 990 retained).
Molecular consequence: synonymous variant.
Genome position (GRCh38, 1-based): chr10:92,650,448, T>C. VCF-style: chr10-92650448-T-C. GRCh37 (hg19) VCF-style: chr10-94410205-T-C.
Other names: c.2970T>C (NM_004523.3).
Identifiers: ClinVar variation 2908441 (VCV002908441.5), dbSNP rs780532911, ClinGen allele CA5604509.